The following is an entry in ClinVar:

ClinVar aggregate classification (germline): Uncertain significance (1 of 4 stars; one submission).

Conditions:
Cardiovascular phenotype. Identifiers: MedGen CN230736.

Submission:

Ambry Genetics
Classification: Uncertain significance for Cardiovascular phenotype. Last evaluated: 2026-07-26. Review status: criteria provided, single submitter. Criteria: Ambry Variant Classification Scheme 2023. Collection method: clinical testing. Allele origin: germline.
Comment: The p.A111T variant (also known as c.331G>A), located in coding exon 3 of the SPRED1 gene, results from a G to A substitution at nucleotide position 331. The alanine at codon 111 is replaced by threonine, an amino acid with similar properties. This amino acid position is conserved. In addition, this alteration is predicted to be deleterious by in silico analysis. Based on the available evidence, the clinical significance of this variant remains unclear.

NM_152594.3(SPRED1):c.331G>A (p.Ala111Thr)

Gene: SPRED1 (sprouty related EVH1 domain containing 1; plus strand). Cytogenetic location: 15q14.
Variant type: single nucleotide variant.
Coding change: c.331G>A on transcript NM_152594.3 (MANE Select); coding-DNA position 331, G replaced by A.
Protein change: p.Ala111Thr; replaces alanine 111 with threonine.
Molecular consequence: missense variant.
Genome position (GRCh38, 1-based): chr15:38,322,364, G>A. VCF-style: chr15-38322364-G-A. GRCh37 (hg19) VCF-style: chr15-38614565-G-A.
Other names: short protein forms A111T.
Identifiers: ClinVar variation 5030120 (VCV005030120.1).